The following is an entry in ClinVar:

ClinVar aggregate classification (germline): Uncertain significance (1 of 4 stars; one submission).

Conditions:
Hereditary cancer-predisposing syndrome. Also called: Neoplastic Syndromes, Hereditary; Hereditary Cancer Syndrome; Tumor predisposition; Hereditary neoplastic syndrome. Identifiers: Orphanet 140162, MedGen C0027672, MeSH D009386, MONDO:0015356.

Submission:

Labcorp Genetics (formerly Invitae), Labcorp
Classification: Uncertain significance for Hereditary cancer-predisposing syndrome. Last evaluated: 2021-08-11. Review status: criteria provided, single submitter. Criteria: Invitae Variant Classification Sherloc (09022015). Collection method: clinical testing. Allele origin: germline.
Comment: In summary, the available evidence is currently insufficient to determine the role of this variant in disease. Therefore, it has been classified as a Variant of Uncertain Significance. Algorithms developed to predict the effect of missense changes on protein structure and function output the following: SIFT: "Tolerated"; PolyPhen-2: "Benign"; Align-GVGD: "Class C0". The asparagine amino acid residue is found in multiple mammalian species, which suggests that this missense change does not adversely affect protein function. This variant has not been reported in the literature in individuals affected with RAD50-related conditions. This variant is not present in population databases (ExAC no frequency). This sequence change replaces threonine with asparagine at codon 119 of the RAD50 protein (p.Thr119Asn). The threonine residue is moderately conserved and there is a small physicochemical difference between threonine and asparagine.

NM_005732.4(RAD50):c.356C>A (p.Thr119Asn)

Gene: RAD50 (RAD50 double strand break repair protein; plus strand). Cytogenetic location: 5q31.1.
Variant type: single nucleotide variant.
Coding change: c.356C>A on transcript NM_005732.4 (MANE Select); coding-DNA position 356, C replaced by A.
Protein change: p.Thr119Asn; replaces threonine 119 with asparagine.
Molecular consequence: missense variant.
Genome position (GRCh38, 1-based): chr5:132,575,919, C>A. VCF-style: chr5-132575919-C-A. GRCh37 (hg19) VCF-style: chr5-131911611-C-A.
Other names: short protein forms T119N.
Identifiers: ClinVar variation 1472074 (VCV001472074.6), dbSNP rs1750390118, ClinGen allele CA360931467.